The following continues an entry in ClinVar:

NM_000143.4(FH):c.1431_1433dup (p.Lys477dup)

Gene: FH. ClinVar aggregate classification (germline): Conflicting classifications of pathogenicity. Pathogenic (9); Likely pathogenic (16); Uncertain significance (7).

Submissions 7 to 21 of 39:

St. Jude Molecular Pathology, St. Jude Children's Research Hospital
Classification: Uncertain significance for Hereditary leiomyomatosis and renal cell cancer. Last evaluated: 2026-04-14. Review status: criteria provided, single submitter. Criteria: St. Jude Assertion Criteria 2020. Collection method: clinical testing. Allele origin: germline.
Comment: Pathogenic variants in FH are associated with hereditary leiomyomatosis and renal cell cancer (HLRCC), an autosomal dominant condition characterized by cutaneous and uterine leiomyomas and renal cell cancer (OMIM ID: 150800). Pathogenic variants affecting both copies of the FH gene are associated with autosomal recessive fumarase deficiency (OMIM ID: 606812). For autosomal recessive conditions, a molecular diagnosis typically requires two pathogenic or likely pathogenic variants in the same gene, with one variant confirmed to be on each copy of the gene. The FH c.1431_1433dup p.(Lys477dup) change duplicates three nucleotides at position 1431-1433 resulting in an in-frame duplication of one amino acid at codon 477. This variant has a maximum non-founder subpopulation frequency of 0.15% in gnomAD v2.1.1, including 2 homozygotes. This variant has been reported in the compound heterozygous state in individuals with fumarase deficiency (PMID: 16510303, 16151915, 24182348). To our knowledge, individuals that are homozygous for this variant have not had clinical features suggestive of fumarase deficiency. While this variant has been reported in the heterozygous state in a few individuals with clinical features suggestive of HLRCC (PMID: 24441663, 25985877) a vast number of heterozygotes have not had clinical features suggestive of HLRCC (PMID: 31444830, 33166576, 34994643). To our knowledge, functional studies have not interrogated the role of this variant in the absence of a second pathogenic variant. In summary, this variant is of uncertain significance with respect to hereditary leiomyomatosis and renal cell cancer (HLRCC; OMIM ID: 150800). However, it may predispose to fumarate hydratase (FH) deficiency (OMIM ID: 606812) when detected in trans with a pathogenic variant (compound heterozygous), but not when detected in the homozygous state. (PMID: 24182348, 16151915).

Labcorp Genetics (formerly Invitae), Labcorp
Classification: Likely pathogenic. Last evaluated: 2026-02-01. Review status: criteria provided, single submitter. Criteria: Invitae Variant Classification Sherloc (09022015). Collection method: clinical testing. Allele origin: germline.
Comment: This variant, c.1431_1433dup, results in the insertion of 1 amino acid(s) of the FH protein (p.Lys477dup), but otherwise preserves the integrity of the reading frame. This variant is present in population databases (rs367543046, gnomAD 0.5%), including at least one homozygous and/or hemizygous individual. This variant has been observed in combination with other pathogenic FH variants in multiple individuals with autosomal recessive fumarate hydratase deficiency (FHD) (PMID: 9300800, 9635293, 23612258, 16510303, 16151915, 24182348, 27541980, internal data). However, individuals who are homozygous for this variant do not have clinical features of FHD (gnomAD, internal data, external communication). It has also been observed as heterozygous in a few individuals with features suggestive of autosomal dominant hereditary leiomyomatosis and renal cell cancer (HLRCC), as well as in unaffected controls (PMID: 23612258, 16639410, 24441663, 25985877, 22703879, internal data). This variant is also known as c.1433_1434insAAA, c.1431insAAA, c.1433_1434dupAAA, AAAins435, 435insK, InsK477, and 435insAAA. ClinVar contains an entry for this variant (Variation ID: 42095). Algorithms developed to predict the effect of variants on gene product structure and function are not available or were not evaluated for this variant. Experimental studies have shown that patient cells carrying this variant and another loss-of-function FH variant have significantly reduced fumarate hydratase enzyme activity (0-20%), compared to wild-type cells (PMID: 9300800, 9635293, 15987702, 16151915, 24182348). No in vitro functional studies measuring the enzymatic activity of this variant alone have been performed. In summary, this is an in-frame duplication that has been observed with several different pathogenic FH variants in multiple affected individuals with FHD. In the homozygous state, this variant does not likely cause FHD, but additional data are needed to prove that conclusively. Although it has been observed as heterozygous in individuals with features of HLRCC, it occurs in the general population too frequently given the rarity of this condition. For these reasons, this variant has been classified as Likely Pathogenic for FHD. However, it is not likely to confer risk for HLRCC.

Otogenetics
Classification: Likely pathogenic for Hereditary leiomyomatosis and renal cell cancer; Fumarase deficiency. Last evaluated: 2026-01-23. Review status: criteria provided, single submitter. Criteria: ACMG Guidelines, 2015. Collection method: clinical testing. Allele origin: germline.
Comment: PM2: Maximum founder gnomAD MAF of 0.524% in Ashkenazi Jewish (ASJ) subpopulation (<0.524% threshold); PM3_Strong: Variant reported in trans (phase confirmed by parental testing) with two pathogenic variants in three individuals affected with fumarase deficiency (PMID: 23612258, 24182348); PM4: Protein length changes due to in-frame insertions in a non-repeat region.

Center for Genomic Medicine, Rigshospitalet, Copenhagen University Hospital
Classification: Uncertain significance. Last evaluated: 2025-12-29. Review status: criteria provided, single submitter. Criteria: ACMG Guidelines, 2015. Collection method: clinical testing. Allele origin: germline.

Genetics Laboratory, Great Ormond Street Hospital NHS Foundation Trust, North Thames Genomic Laboratory Hub
Classification: Uncertain significance for Inherited renal cancer. Last evaluated: 2025-10-13. Review status: criteria provided, single submitter. Criteria: ACGS Best Practice Guidelines for Variant Classification in Rare Disease 2024 v1.2. Collection method: clinical testing. Allele origin: germline. Affected: yes.
Comment: PM4_supporting, PS3_strong

Natera, Inc.
Classification: Likely pathogenic for Fumarase Deficiency. Last evaluated: 2025-08-07. Review status: criteria provided, single submitter. Criteria: Natera Variant Classification Schema (03/2026). Collection method: clinical testing. Allele origin: germline.
Comment: The c.1431_1433dupAAA variant in FH is an in-frame duplication. This variant has been observed in at least one unaffected individual, with a zygosity that is consistent with the inheritance pattern for the associated condition (in gnomAD and/or literature). This variant has been observed in one or more individuals affected with the associated recessive disease, as either homozygous or compound heterozygous with a second variant (PMID: 16151915, 16510303, 32999401, 24182348, 21560188). Additionally, this variant has been observed to segregate in affected family members (PMID: 24182348). This variant results in a change to the protein length while preserving reading frame, which may disrupt normal protein structure or function. Computational prediction algorithms indicate this variant is likely to affect gene or protein function. Given the available evidence, this variant is classified as Likely Pathogenic.

Mayo Clinic Laboratories, Mayo Clinic
Classification: Likely pathogenic. Last evaluated: 2025-07-17. Review status: criteria provided, single submitter. Criteria: ACMG Guidelines, 2015. Collection method: clinical testing. Allele origin: germline. Observed: 3 variant alleles.
Comment: PP4, PM3, PS4

Revvity Omics, Revvity
Classification: Pathogenic. Last evaluated: 2025-05-21. Review status: criteria provided, single submitter. Criteria: ACMG Guidelines, 2015. Collection method: clinical testing. Allele origin: germline.

Blueprint Genetics
Classification: Pathogenic for FH-related disorders. Last evaluated: 2024-11-21. Review status: criteria provided, single submitter. Criteria: ACMG Guidelines, 2015. Collection method: clinical testing. Allele origin: germline. Affected: yes. Observed: 5 variant alleles.

Fulgent Genetics
Classification: Likely pathogenic for Hereditary leiomyomatosis and renal cell cancer; Fumarase deficiency. Last evaluated: 2024-06-17. Review status: criteria provided, single submitter. Criteria: ACMG Guidelines, 2015. Collection method: clinical testing. Allele origin: germline.

Quest Diagnostics Nichols Institute San Juan Capistrano
Classification: Uncertain significance. Last evaluated: 2024-06-06. Review status: criteria provided, single submitter. Criteria: Quest Diagnostics criteria. Collection method: clinical testing. Allele origin: unknown.

Baylor Genetics
Classification: Pathogenic for Fumarase deficiency. Last evaluated: 2024-03-30. Review status: criteria provided, single submitter. Criteria: ACMG Guidelines, 2015. Collection method: clinical testing. Allele origin: unknown.

GeneDx
Classification: Pathogenic. Last evaluated: 2024-02-27. Review status: criteria provided, single submitter. Criteria: GeneDx Variant Classification Process June 2021. Collection method: clinical testing. Allele origin: germline. Affected: yes.
Comment: In-frame duplication of 1 amino acid in a non-repeat region; Recent studies suggest that in the heterozygous state, this variant is not associated with an increased risk to develop HLRCC-related tumors (PMID: 31444830, 33166576, 34994643); This variant has been observed as homozygous in asymptomatic adults tested at GeneDx and in large population cohorts (gnomAD; internal data), suggesting this variant is not associated with FHD when present in the homozygous state; In silico analysis supports a deleterious effect on protein structure/function; Also known as 1302insAAA, Lys434ins, insK477, 435insK, and 435insAAA; This variant is associated with the following publications: (PMID: 28748451, 27051561, 23612258, 2314594, 29319699, 31942411, 31831373, 16151915, 9300800, 9635293, 15987702, 20301679, 27621404, 20549362, 28873162, 29506128, 12761039, 16237213, 28825054, 29641532, 22703879, 18313410, 25985877, 16639410, 21560188, 24441663, 24182348, 16510303, 27541980, 30256826, 29909963, 30426508, 31212687, 28552549, 31444830, 32782288, 31980526, 32581362, 33789101, 33166576, 32413184, 32012241, 33363901, 35626031, 34308104, 35441217, 34289891, 33858029, 31794323, 34994643, 34337822, 35993574, 36556183, 32999401, 29893455, 36773955, 36777509, 33439686, 37255402, 36947458)

Service de Génétique Médicale, Centre Hospitalier Universitaire de Nice-Université Côte d'Azur
Classification: Likely pathogenic for Fumarase deficiency. Last evaluated: 2024-02-27. Review status: criteria provided, single submitter. Criteria: ACMG Guidelines, 2015. Collection method: clinical testing. Allele origin: germline. Affected: yes.

Department of Pathology and Laboratory Medicine, Sinai Health System
Classification: Pathogenic for hereditary leiomyomatosis and renal cell cancer. Last evaluated: 2023-09-20. Review status: criteria provided, single submitter. Criteria: ACMG Guidelines, 2015. Collection method: clinical testing. Allele origin: germline. Affected: yes.